The following is an entry in ClinVar:

ClinVar aggregate classification (germline): Likely benign (0 of 4 stars; one submission).

Conditions:
COL5A1-related disorder. Also called: COL5A1-related condition.

gnomAD v4.1: 13 of 1,613,248 alleles (0.00081%); highest among the groups gnomAD compares: South Asian, 0.013%; no homozygotes.

Submission:

PreventionGenetics, part of Exact Sciences
Classification: Likely benign for COL5A1-related condition. Last evaluated: 2024-07-31. Review status: no assertion criteria provided. Collection method: clinical testing. Allele origin: germline.
Comment: This variant is classified as likely benign based on ACMG/AMP sequence variant interpretation guidelines (Richards et al. 2015 PMID: 25741868, with internal and published modifications).

NM_000093.5(COL5A1):c.4339-3C>T

Gene: COL5A1 (collagen type V alpha 1 chain; plus strand). Cytogenetic location: 9q34.3.
Variant type: single nucleotide variant.
Coding change: c.4339-3C>T on transcript NM_000093.5 (MANE Select); 3 bases into the intron before coding-DNA position 4339, C replaced by T.
Molecular consequence: intron variant.
Genome position (GRCh38, 1-based): chr9:134,818,845, C>T. VCF-style: chr9-134818845-C-T. GRCh37 (hg19) VCF-style: chr9-137710691-C-T.
Other names: c.4339-3C>T (NM_001278074.1).
Identifiers: ClinVar variation 3344195 (VCV003344195.1).
Genomic context (GRCh38, chr9:134,818,845, plus strand): 5'-GAGGGGTTGCCGAGTGGAGGGACGGGGGACCAGCAACTCATGCAGAGCGTCTCTGTGTTT[C>T]AGGGAGAACAAGGTCTCCCAGGATCCCCAGGCCCGGACGGTCCCCCCGGCCCCATGGTGA-3'